The following is an entry in ClinVar:

NM_016616.5(NME8):c.608G>A (p.Arg203Gln)

Gene: NME8 (NME/NM23 family member 8; plus strand). Cytogenetic location: 7p14.1.
Variant type: single nucleotide variant.
Coding change: c.608G>A on transcript NM_016616.5 (MANE Select); coding-DNA position 608, G replaced by A.
Protein change: p.Arg203Gln; replaces arginine 203 with glutamine.
Molecular consequence: missense variant.
Genome position (GRCh38, 1-based): chr7:37,865,604, G>A. VCF-style: chr7-37865604-G-A. GRCh37 (hg19) VCF-style: chr7-37905206-G-A.
Other names: short protein forms R203Q.
Identifiers: ClinVar variation 961377 (VCV000961377.10), dbSNP rs534679328, ClinGen allele CA4222274.

ClinVar aggregate classification (germline): Conflicting classifications of pathogenicity. Review status: criteria provided, conflicting classifications (1 of 4 stars). 4 submissions from 4 submitters: Uncertain significance (2); Likely benign (1). 1 of the submissions does not count toward it. Last evaluated 2026-07-01.

Conditions:
NME8-related disorder. Also called: NME8-related condition.
Primary ciliary dyskinesia 6. Also called: Primary Ciliary Dyskinesia 6: TXNDC3-Related Primary Ciliary Dyskinesia. Identifiers: Orphanet 244, MedGen C1970506, MONDO:0012571, OMIM 610852.

Allele frequency attached by ClinVar (database versions not stated): gnomAD 0.00001; TOPMed 0.00001; gnomAD exomes 0.00012; ExAC 0.00017; 1000 Genomes Project 30x 0.00078; 1000 Genomes Project 0.00100.
gnomAD v4.1: 74 of 1,608,780 alleles (0.0046%); highest among the groups gnomAD compares: South Asian, 0.059%; 1 homozygote.

Submissions (4):

CeGaT Center for Human Genetics Tuebingen
Classification: Likely benign. Last evaluated: 2026-07-01. Review status: criteria provided, single submitter. Criteria: CeGaT Center For Human Genetics Tuebingen Variant Classification Criteria Version 2. Collection method: clinical testing. Allele origin: germline. Affected: yes. Observed: 1 variant allele.
Comment: NME8: BP4

Labcorp Genetics (formerly Invitae), Labcorp
Classification: Uncertain significance for Primary ciliary dyskinesia 6. Last evaluated: 2025-07-29. Review status: criteria provided, single submitter. Criteria: Invitae Variant Classification Sherloc (09022015). Collection method: clinical testing. Allele origin: germline.
Comment: This sequence change replaces arginine, which is basic and polar, with glutamine, which is neutral and polar, at codon 203 of the NME8 protein (p.Arg203Gln). This variant is present in population databases (rs534679328, gnomAD 0.08%), and has an allele count higher than expected for a pathogenic variant. This variant has not been reported in the literature in individuals affected with NME8-related conditions. ClinVar contains an entry for this variant (Variation ID: 961377). Invitae Evidence Modeling of protein sequence and biophysical properties (such as structural, functional, and spatial information, amino acid conservation, physicochemical variation, residue mobility, and thermodynamic stability) indicates that this missense variant is not expected to disrupt NME8 protein function with a negative predictive value of 80%. Algorithms developed to predict the effect of sequence changes on RNA splicing suggest that this variant may disrupt the consensus splice site. In summary, the available evidence is currently insufficient to determine the role of this variant in disease. Therefore, it has been classified as a Variant of Uncertain Significance.

ARUP Laboratories, Molecular Genetics and Genomics, ARUP Laboratories
Classification: Uncertain significance for Primary ciliary dyskinesia 6. Last evaluated: 2025-02-06. Review status: criteria provided, single submitter. Criteria: ARUP Molecular Germline Variant Investigation Process 2024. Collection method: clinical testing. Allele origin: germline.
Comment: The NME8 c.608G>A; p.Arg203Gln variant (rs534679328), to our knowledge, is not reported in the medical literature but is reported in ClinVar (Variation ID: 961377). This variant is found in the general population with an overall allele frequency of 0.011% (31/282188 alleles) in the Genome Aggregation Database (v2.1.1). Computational analyses predict that this variant is neutral (REVEL: 0.061).

PreventionGenetics, part of Exact Sciences
Classification: Uncertain significance for NME8-related condition. Last evaluated: 2023-12-15. Review status: no assertion criteria provided. Collection method: clinical testing. Allele origin: germline. Not counted in ClinVar's aggregate classification.
Comment: The NME8 c.608G>A variant is predicted to result in the amino acid substitution p.Arg203Gln. To our knowledge, this variant has not been reported in the literature. This variant is reported in 0.088% of alleles in individuals of South Asian descent in gnomAD. Although we suspect that this variant may be benign, at this time, the clinical significance of this variant is uncertain due to the absence of conclusive functional and genetic evidence.